The following is an entry in ClinVar:

NM_015378.4(VPS13D):c.7861C>T (p.Arg2621Cys)

Gene: VPS13D (vacuolar protein sorting 13 homolog D; plus strand). Cytogenetic location: 1p36.22.
Variant type: single nucleotide variant.
Coding change: c.7861C>T on transcript NM_015378.4 (MANE Select); coding-DNA position 7861, C replaced by T.
Protein change: p.Arg2621Cys; replaces arginine 2621 with cysteine.
Molecular consequence: missense variant.
Genome position (GRCh38, 1-based): chr1:12,322,692, C>T. VCF-style: chr1-12322692-C-T. GRCh37 (hg19) VCF-style: chr1-12382749-C-T.
Other names: c.7861C>T, p.Arg2621Cys (NM_018156.4); c.7861C>T (NM_015378.2); short protein forms R2621C.
Identifiers: ClinVar variation 2083421 (VCV002083421.3), dbSNP rs143924983, ClinGen allele CA602932.
Genomic context (GRCh38, chr1:12,322,692, plus strand): 5'-GTGCCAGACTCAGTGGCCCTGGAGTCAGACTCCGTTGGCACTTACCTTCCAGGTGCATCT[C>T]GCGTTGGAGAGGAAATCAGAGAAGGGACAAGACACACCTTAGATCCTGTCTTGGGTAGGT-3'
Protein context (NP_056193.2, residues 2611-2631): SVGTYLPGAS[Arg2621Cys]VGEEIREGTR

ClinVar aggregate classification (germline): Uncertain significance. Review status: criteria provided, multiple submitters, no conflicts (2 of 4 stars). 2 submissions from 2 submitters: Uncertain significance (2). Last evaluated 2025-01-16.

Conditions:
Inborn genetic diseases. Identifiers: MedGen C0950123, MeSH D030342.

Allele frequency attached by ClinVar (database versions not stated): gnomAD exomes 0.00003; ExAC 0.00006; gnomAD 0.00007; TOPMed 0.00011; ESP Exome Variant Server 0.00031.
gnomAD v4.1: 65 of 1,614,060 alleles (0.004%); highest among the groups gnomAD compares: African/African-American, 0.032%; no homozygotes.

Submissions (2):

Ambry Genetics
Classification: Uncertain significance for Inborn genetic diseases. Last evaluated: 2025-01-16. Review status: criteria provided, single submitter. Criteria: Ambry Variant Classification Scheme 2023. Collection method: clinical testing. Allele origin: germline.

Labcorp Genetics (formerly Invitae), Labcorp
Classification: Uncertain significance. Last evaluated: 2023-10-30. Review status: criteria provided, single submitter. Criteria: Invitae Variant Classification Sherloc (09022015). Collection method: clinical testing. Allele origin: germline.
Comment: This sequence change replaces arginine, which is basic and polar, with cysteine, which is neutral and slightly polar, at codon 2621 of the VPS13D protein (p.Arg2621Cys). This variant is present in population databases (rs143924983, gnomAD 0.04%). This variant has not been reported in the literature in individuals affected with VPS13D-related conditions. ClinVar contains an entry for this variant (Variation ID: 2083421). Advanced modeling of protein sequence and biophysical properties (such as structural, functional, and spatial information, amino acid conservation, physicochemical variation, residue mobility, and thermodynamic stability) performed at Invitae indicates that this missense variant is not expected to disrupt VPS13D protein function with a negative predictive value of 80%. In summary, the available evidence is currently insufficient to determine the role of this variant in disease. Therefore, it has been classified as a Variant of Uncertain Significance.